The following is an entry in ClinVar:

NM_001903.5(CTNNA1):c.1322C>T (p.Ser441Leu)

Gene: CTNNA1 (catenin alpha 1; plus strand). Cytogenetic location: 5q31.2.
Variant type: single nucleotide variant.
Coding change: c.1322C>T on transcript NM_001903.5 (MANE Select); coding-DNA position 1322, C replaced by T.
Protein change: p.Ser441Leu; replaces serine 441 with leucine.
Molecular consequence: missense variant. On other transcripts: 5 prime UTR variant (6), intron variant (3).
Genome position (GRCh38, 1-based): chr5:138,904,374, C>T. VCF-style: chr5-138904374-C-T. GRCh37 (hg19) VCF-style: chr5-138240063-C-T.
Other names: c.1322C>T, p.Ser441Leu (NM_001290307.3, NM_001323982.2, NM_001323983.1 and 2 more transcripts); c.1013C>T, p.Ser338Leu (NM_001290309.3); c.953C>T, p.Ser318Leu (NM_001290310.3); c.212C>T, p.Ser71Leu (NM_001290312.1, NM_001323987.1, NM_001323988.1 and 17 more transcripts); c.-186C>T (NM_001324006.1, NM_001324007.1, NM_001324008.1 and 1 more transcripts); c.-32C>T (NM_001324012.1, NM_001324013.1); c.1297-13368C>T (NM_001323986.2); c.187-13368C>T (NM_001324011.1); and 2 more; short protein forms S318L, S441L, S71L, S338L.
Identifiers: ClinVar variation 3591776 (VCV003591776.2).
Genomic context (GRCh38, chr5:138,904,374, plus strand): 5'-GAAAAATCTTTAAAGATTATTTTTTATGTTTATAGGTTGCCAACTTGGCCTGTTCCATCT[C>T]AAATAATGAAGAAGGTGTAAAGCTTGTTCGAATGTCTGCAAGCCAGTTAGAAGCCCTCTG-3'
Protein context (NP_001894.2, residues 431-451): IEVANLACSI[Ser441Leu]NNEEGVKLVR

ClinVar aggregate classification (germline): Uncertain significance. Review status: criteria provided, multiple submitters, no conflicts (2 of 4 stars). 2 submissions from 2 submitters: Uncertain significance (2). Last evaluated 2025-08-20.

Conditions:
Patterned macular dystrophy 2. Identifiers: Orphanet 99001, MedGen C1837029, MONDO:0012162, OMIM 608970.
Hereditary cancer-predisposing syndrome. Also called: Neoplastic Syndromes, Hereditary; Tumor predisposition; Hereditary Cancer Syndrome; Hereditary neoplastic syndrome. Identifiers: Orphanet 140162, MedGen C0027672, MeSH D009386, MONDO:0015356.

Submissions (2):

Ambry Genetics
Classification: Uncertain significance for Hereditary cancer-predisposing syndrome. Last evaluated: 2025-08-20. Review status: criteria provided, single submitter. Criteria: Ambry Variant Classification Scheme 2023. Collection method: clinical testing. Allele origin: germline.
Comment: The p.S441L variant (also known as c.1322C>T), located in coding exon 9 of the CTNNA1 gene, results from a C to T substitution at nucleotide position 1322. The serine at codon 441 is replaced by leucine, an amino acid with dissimilar properties. This amino acid position is conserved. In addition, this alteration is predicted to be deleterious by in silico analysis. Based on the available evidence, the clinical significance of this variant remains unclear.

Fulgent Genetics
Classification: Uncertain significance for Patterned macular dystrophy 2. Last evaluated: 2024-03-19. Review status: criteria provided, single submitter. Criteria: ACMG Guidelines, 2015. Collection method: clinical testing. Allele origin: germline.